The following is an entry in ClinVar:

NM_005751.5(AKAP9):c.5665G>A (p.Ala1889Thr)

Gene: AKAP9 (A-kinase anchoring protein 9; plus strand). Cytogenetic location: 7q21.2.
Variant type: single nucleotide variant.
Coding change: c.5665G>A on transcript NM_005751.5 (MANE Select); coding-DNA position 5665, G replaced by A.
Protein change: p.Ala1889Thr; replaces alanine 1889 with threonine.
Molecular consequence: missense variant.
Genome position (GRCh38, 1-based): chr7:92,061,323, G>A. VCF-style: chr7-92061323-G-A. GRCh37 (hg19) VCF-style: chr7-91690637-G-A.
Other names: c.310G>A, p.Ala104Thr (NM_001379277.1); c.5665G>A, p.Ala1889Thr (NM_147185.3); short protein forms A1889T, A104T.
Identifiers: ClinVar variation 1748934 (VCV001748934.2), dbSNP rs182445675, ClinGen allele CA4336889.

ClinVar aggregate classification (germline): Uncertain significance (1 of 4 stars; one submission).

Conditions:
Cardiovascular phenotype. Identifiers: MedGen CN230736.

Allele frequency attached by ClinVar (database versions not stated): gnomAD exomes below 0.00001; ExAC 0.00001; TOPMed 0.00001; gnomAD 0.00002; 1000 Genomes Project 30x 0.00016; 1000 Genomes Project 0.00020.
gnomAD v4.1: 5 of 1,613,144 alleles (0.00031%); highest among the groups gnomAD compares: African/African-American, 0.004%; no homozygotes.

Submission:

Ambry Genetics
Classification: Uncertain significance for Cardiovascular phenotype. Last evaluated: 2021-11-24. Review status: criteria provided, single submitter. Criteria: Ambry Variant Classification Scheme 2023. Collection method: clinical testing. Allele origin: germline.
Comment: The p.A1889T variant (also known as c.5665G>A), located in coding exon 23 of the AKAP9 gene, results from a G to A substitution at nucleotide position 5665. The alanine at codon 1889 is replaced by threonine, an amino acid with similar properties. This amino acid position is conserved. In addition, this alteration is predicted to be tolerated by in silico analysis. Since supporting evidence is limited at this time, the clinical significance of this alteration remains unclear.